The following is an entry in ClinVar:

NM_014243.3(ADAMTS3):c.410G>A (p.Arg137Gln)

Gene: ADAMTS3 (ADAM metallopeptidase with thrombospondin type 1 motif 3; minus strand). Cytogenetic location: 4q13.3.
Variant type: single nucleotide variant.
Coding change: c.410G>A on transcript NM_014243.3 (MANE Select); coding-DNA position 410, G replaced by A.
Protein change: p.Arg137Gln; replaces arginine 137 with glutamine.
Molecular consequence: missense variant.
Genome position (GRCh38, 1-based): chr4:72,548,572, C>T on the plus strand (G>A on the coding strand, the complement: ADAMTS3 is on the minus strand). VCF-style: chr4-72548572-C-T. GRCh37 (hg19) VCF-style: chr4-73414289-C-T.
Other names: short protein forms R137Q.
Identifiers: ClinVar variation 3077297 (VCV003077297.8), dbSNP rs141944086, ClinGen allele CA2957257.

ClinVar aggregate classification (germline): Conflicting classifications of pathogenicity. Review status: criteria provided, conflicting classifications (1 of 4 stars). 2 submissions from 2 submitters: Uncertain significance (1); Likely benign (1). Last evaluated 2025-11-01.

Conditions:
Inborn genetic diseases. Identifiers: MedGen C0950123, MeSH D030342.

Allele frequency attached by ClinVar (database versions not stated): gnomAD 0.00007; ExAC 0.00011; TOPMed 0.00012; 1000 Genomes Project 0.00040; 1000 Genomes Project 30x 0.00047.
gnomAD v4.1: 108 of 1,613,912 alleles (0.0067%); highest among the groups gnomAD compares: Admixed American, 0.062%; 1 homozygote.

Submissions (2):

CeGaT Center for Human Genetics Tuebingen
Classification: Likely benign. Last evaluated: 2025-11-01. Review status: criteria provided, single submitter. Criteria: CeGaT Center For Human Genetics Tuebingen Variant Classification Criteria Version 2. Collection method: clinical testing. Allele origin: germline. Affected: yes. Observed: 1 variant allele.
Comment: ADAMTS3: BP4, BS2

Ambry Genetics
Classification: Uncertain significance for Inborn genetic diseases. Last evaluated: 2025-08-19. Review status: criteria provided, single submitter. Criteria: Ambry Variant Classification Scheme 2023. Collection method: clinical testing. Allele origin: germline.